The following is an entry in ClinVar:

ClinVar aggregate classification (germline): Conflicting classifications of pathogenicity. Review status: criteria provided, conflicting classifications (1 of 4 stars). 5 submissions from 5 submitters: Uncertain significance (4); Likely benign (1). Last evaluated 2026-03-27.

Conditions:
Autosomal recessive limb-girdle muscular dystrophy type 2J (LGMDR10). Also called: MUSCULAR DYSTROPHY, LIMB-GIRDLE, AUTOSOMAL RECESSIVE 10; Limb-girdle muscular dystrophy, type 2J. Identifiers: Orphanet 140922, MedGen C1837342, MONDO:0012127, OMIM 608807.
Dilated cardiomyopathy 1G (CMD1G). Identifiers: Orphanet 154, MedGen C1858763, MONDO:0011400, OMIM 604145.

Allele frequency attached by ClinVar (database versions not stated): ExAC 0.00002; gnomAD exomes 0.00002; gnomAD 0.00005 and 0.00006; ESP Exome Variant Server 0.00008; TOPMed 0.00005.
gnomAD v4.1: 39 of 1,611,166 alleles (0.0024%); highest among the groups gnomAD compares: South Asian, 0.012%; no homozygotes.

Submissions (5):

Molecular Diagnostic Laboratory for Inherited Cardiovascular Disease, Montreal Heart Institute
Classification: Likely benign. Last evaluated: 2026-03-27. Review status: criteria provided, single submitter. Criteria: ACMG Guidelines, 2015. Collection method: clinical testing. Allele origin: germline. Affected: no.
Comment: BP1

Women's Health and Genetics/Laboratory Corporation of America, LabCorp
Classification: Uncertain significance. Last evaluated: 2025-05-19. Review status: criteria provided, single submitter. Criteria: LabCorp Variant Classification Summary - May 2015. Collection method: clinical testing. Allele origin: germline.
Comment: Variant summary: TTN c.11267G>A (p.Arg3756His) results in a non-conservative amino acid change in the encoded protein sequence. Algorithms developed to predict the effect of missense changes on protein structure and function are either unavailable or do not agree on the potential impact of this missense change. The variant allele was found at a frequency of 2.1e-05 in 242268 control chromosomes. The available data on variant occurrences in the general population are insufficient to allow any conclusion about variant significance. To our knowledge, no occurrence of c.11267G>A in individuals affected with TTN-related conditions and no experimental evidence demonstrating its impact on protein function have been reported. ClinVar contains an entry for this variant (Variation ID: 429509). Based on the evidence outlined above, the variant was classified as uncertain significance.

Athena Diagnostics
Classification: Uncertain significance. Last evaluated: 2020-06-09. Review status: criteria provided, single submitter. Criteria: Athena Diagnostics Criteria. Collection method: clinical testing. Allele origin: unknown.

Labcorp Genetics (formerly Invitae), Labcorp
Classification: Uncertain significance for Dilated cardiomyopathy 1G; Autosomal recessive limb-girdle muscular dystrophy type 2J. Last evaluated: 2017-05-11. Review status: criteria provided, single submitter. Criteria: Invitae Variant Classification Sherloc (09022015). Collection method: clinical testing. Allele origin: germline.

GeneDx
Classification: Uncertain significance. Last evaluated: 2017-05-02. Review status: criteria provided, single submitter. Criteria: GeneDx Variant Classification (06012015). Collection method: clinical testing. Allele origin: germline. Affected: yes.
Comment: The R3756H variant has not been published as a pathogenic variant, nor has it been reported as a benign variant to our knowledge. The R3756H variant is observed in 1/49074 (0.002%) allele from individuals of European background (Lek et al., 2016; 1000 Genomes Consortium et al., 2015; Exome Variant Server). This variant is a conservative amino acid substitution, which is not likely to impact secondary protein structure as these residues share similar properties. This substitution occurs at a position where amino acids with similar properties to Arginine are tolerated across species. Additionally, the R3756H variant is not located in the A-band nor the M-line region of titin, where the majority of pathogenic truncating variants have been reported. However, in silico analysis predicts this variant is probably damaging to the protein structure/function.

NM_001267550.2(TTN):c.14999G>A (p.Arg5000His)

Gene: TTN (titin; minus strand). Cytogenetic location: 2q31.2.
Variant type: single nucleotide variant.
Coding change: c.14999G>A on transcript NM_001267550.2 (MANE Select); coding-DNA position 14999, G replaced by A.
Protein change: p.Arg5000His; replaces arginine 5000 with histidine.
Molecular consequence: missense variant. On other transcripts: intron variant (3).
Genome position (GRCh38, 1-based): chr2:178,734,925, C>T on the plus strand (G>A on the coding strand, the complement: TTN is on the minus strand). VCF-style: chr2-178734925-C-T. GRCh37 (hg19) VCF-style: chr2-179599652-C-T.
Other names: c.14048G>A, p.Arg4683His (NM_001256850.1); c.11267G>A, p.Arg3756His (NM_133378.4); c.13282+3157G>A (NM_003319.4); c.13858+3157G>A (NM_133437.4); c.13657+3157G>A (NM_133432.3); short protein forms R4683H, R5000H, R3756H.
Identifiers: ClinVar variation 429509 (VCV000429509.7), dbSNP rs377062348, ClinGen allele CA2002304.